The following is an entry in ClinVar:

NM_003072.5(SMARCA4):c.3917T>C (p.Ile1306Thr)

Gene: SMARCA4 (SWI/SNF related BAF chromatin remodeling complex subunit ATPase 4; plus strand). Cytogenetic location: 19p13.2.
Variant type: single nucleotide variant.
Coding change: c.3917T>C on transcript NM_003072.5 (MANE Select); coding-DNA position 3917, T replaced by C.
Protein change: p.Ile1306Thr; replaces isoleucine 1306 with threonine.
Molecular consequence: missense variant. On other transcripts: non-coding transcript variant (1).
Genome position (GRCh38, 1-based): chr19:11,034,166, T>C. VCF-style: chr19-11034166-T-C. GRCh37 (hg19) VCF-style: chr19-11144842-T-C.
Other names: c.3818T>C, p.Ile1273Thr (NM_001128847.4, NM_001128848.2, NM_001374457.1 and 3 more transcripts); c.3917T>C, p.Ile1306Thr (NM_001128849.3, NM_001387283.1, NM_001128844.3); short protein forms I1306T, I1273T.
Identifiers: ClinVar variation 3320760 (VCV003320760.1).
Genomic context (GRCh38, chr19:11,034,166, plus strand): 5'-AGTTTGCAATCTTATAGGAGGAAGACGAGGTGCCCGACGACGAGACCGTCAACCAGATGA[T>C]CGCCCGGCACGAGGAGGAGTTTGATCTGTTCATGGTAAGCGCTGCAGGCTGGATGGGGCA-3'
Protein context (NP_003063.2, residues 1296-1316): VPDDETVNQM[Ile1306Thr]ARHEEEFDLF

ClinVar aggregate classification (germline): Uncertain significance (1 of 4 stars; one submission).

Conditions:
Hereditary cancer-predisposing syndrome. Also called: Neoplastic Syndromes, Hereditary; Tumor predisposition; Hereditary neoplastic syndrome; Hereditary Cancer Syndrome. Identifiers: Orphanet 140162, MedGen C0027672, MeSH D009386, MONDO:0015356.

gnomAD v4.1: 1 of 1,613,842 alleles (0.000062%); highest among the groups gnomAD compares: Non-Finnish European, 0.000085%; no homozygotes.

Submission:

Ambry Genetics
Classification: Uncertain significance for Hereditary cancer-predisposing syndrome. Last evaluated: 2024-05-30. Review status: criteria provided, single submitter. Criteria: Ambry Variant Classification Scheme 2023. Collection method: clinical testing. Allele origin: germline.
Comment: The p.I1306T variant (also known as c.3917T>C), located in coding exon 27 of the SMARCA4 gene, results from a T to C substitution at nucleotide position 3917. The isoleucine at codon 1306 is replaced by threonine, an amino acid with similar properties. This amino acid position is conserved. In addition, this alteration is predicted to be deleterious by in silico analysis. Based on the available evidence, the clinical significance of this variant remains unclear.